The following is an entry in ClinVar:

NM_006946.4(SPTBN2):c.6868C>T (p.Arg2290Ter)

Gene: SPTBN2 (spectrin beta, non-erythrocytic 2; minus strand). Cytogenetic location: 11q13.2.
Variant type: single nucleotide variant.
Coding change: c.6868C>T on transcript NM_006946.4 (MANE Select); coding-DNA position 6868, C replaced by T.
Protein change: p.Arg2290Ter; replaces arginine 2290 with a stop codon.
Molecular consequence: nonsense.
Genome position (GRCh38, 1-based): chr11:66,687,022, G>A on the plus strand (C>T on the coding strand, the complement: SPTBN2 is on the minus strand). VCF-style: chr11-66687022-G-A. GRCh37 (hg19) VCF-style: chr11-66454493-G-A.
Other names: c.6889C>T, p.Arg2297Ter (NM_001411025.1); short protein forms R2290*, R2297*.
Identifiers: ClinVar variation 2684358 (VCV002684358.1), dbSNP rs769316991, ClinGen allele CA381454576.

ClinVar aggregate classification (germline): Uncertain significance (1 of 4 stars; one submission).

Submission:

Athena Diagnostics
Classification: Uncertain significance. Last evaluated: 2022-10-03. Review status: criteria provided, single submitter. Criteria: Athena Diagnostics Criteria. Collection method: clinical testing. Allele origin: unknown.
Comment: Available data are insufficient to determine the clinical significance of the variant at this time. This variant is predicted to result in a premature stop codon in a region that may allow expression of a truncated protein. The clinical relevance of such a change in this region of the gene has not been established, and therefore, the effect on protein function and clinical significance remains uncertain. This variant has been identified in at least one individual with clinical features associated with this gene. This variant has not been reported in large, multi-ethnic general populations.